The following is an entry in ClinVar:

ClinVar aggregate classification (germline): Conflicting classifications of pathogenicity. Review status: criteria provided, conflicting classifications (1 of 4 stars). 6 submissions from 6 submitters: Pathogenic (1); Likely pathogenic (1); Uncertain significance (3). 1 of the submissions does not count toward it. Last evaluated 2026-09-05.

Conditions:
Generalized epilepsy with febrile seizures plus, type 7 (GEFSP7). Also called: GEFS+, TYPE 7. Identifiers: Orphanet 36387, MedGen C2751778, MONDO:0013470, OMIM 613863.
Neuropathy, hereditary sensory and autonomic, type 2A (HSAN2A). Also called: HSAN IIA; MORVAN DISEASE; NEUROPATHY, CONGENITAL SENSORY; NEUROPATHY, HEREDITARY SENSORY RADICULAR, AUTOSOMAL RECESSIVE; NEUROPATHY, HEREDITARY SENSORY, TYPE IIA; NEUROPATHY, PROGRESSIVE SENSORY, OF CHILDREN. Identifiers: Orphanet 970, MedGen C2752089, MONDO:0024309, OMIM 201300.
SCN9A-related disorder. Also called: SCN9A-related disorders; SCN9A-related condition.
Paroxysmal extreme pain disorder (PEXPD). Also called: PAIN, SUBMANDIBULAR, OCULAR, AND RECTAL, WITH FLUSHING; RECTAL PAIN, FAMILIAL; SCN9A Paroxysmal Extreme Pain Disorder (SCN9A-PEPD). Identifiers: Orphanet 46348, MedGen C1833661, MONDO:0008179, OMIM 167400.

Allele frequency attached by ClinVar (database versions not stated): TOPMed 0.00002; 1000 Genomes Project 0.00020; 1000 Genomes Project 30x 0.00031.

Submissions (6):

GeneDx
Classification: Uncertain significance. Last evaluated: 2026-09-05. Review status: criteria provided, single submitter. Criteria: GeneDx Variant Classification Process June 2021. Collection method: clinical testing. Allele origin: germline.
Comment: Identified in an individual with epilepsy in published literature; however, no further clinical or segregation information was provided (PMID: 31440721); In silico analysis supports that this missense variant has a deleterious effect on protein structure/function; This variant is associated with the following publications: (PMID: Newton2025[Preprint], 34426522, 17145499, 31440721, 38394191, 41562815)

CeGaT Center for Human Genetics Tuebingen
Classification: Uncertain significance. Last evaluated: 2026-05-01. Review status: criteria provided, single submitter. Criteria: CeGaT Center For Human Genetics Tuebingen Variant Classification Criteria Version 2. Collection method: clinical testing. Allele origin: germline. Affected: yes. Observed: 1 variant allele.
Comment: SCN9A: PM2, BP4

Labcorp Genetics (formerly Invitae), Labcorp
Classification: Pathogenic for Neuropathy, hereditary sensory and autonomic, type 2A; Generalized epilepsy with febrile seizures plus, type 7. Last evaluated: 2025-07-20. Review status: criteria provided, single submitter. Criteria: Invitae Variant Classification Sherloc (09022015). Collection method: clinical testing. Allele origin: germline.
Comment: This sequence change replaces arginine, which is basic and polar, with cysteine, which is neutral and slightly polar, at codon 996 of the SCN9A protein (p.Arg996Cys). This variant is present in population databases (rs121908910, gnomAD 0.007%). This missense change has been observed in individuals with autosomal dominant paroxysmal extreme pain disorder (PMID: 17145499). It has also been observed to segregate with disease in related individuals. ClinVar contains an entry for this variant (Variation ID: 6356). Invitae Evidence Modeling of protein sequence and biophysical properties (such as structural, functional, and spatial information, amino acid conservation, physicochemical variation, residue mobility, and thermodynamic stability) indicates that this missense variant is not expected to disrupt SCN9A protein function with a negative predictive value of 95%. For these reasons, this variant has been classified as Pathogenic.

PreventionGenetics, part of Exact Sciences
Classification: Likely pathogenic for SCN9A-related condition. Last evaluated: 2025-07-17. Review status: criteria provided, single submitter. Criteria: ACMG Guidelines, 2015. Collection method: clinical testing. Allele origin: germline.
Comment: The SCN9A c.2986C>T variant is predicted to result in the amino acid substitution p.Arg996Cys. This variant has been reported in an individual with epilepsy; however, no evidence to support pathogenicity was provided (Supplementary Table 2, Truty et al. 2019. PubMed ID: 31440721). It has also been reported to segregate with disease in two unrelated families with paroxysmal extreme pain disorder (Families 4 and 12 in Figure S1, Fertleman et al. 2006. PubMed ID: 17145499). Individuals who carried this variant had a mild phenotype, with the exception of one more severely affected individual who also carried a de novo variant in SCN9A (Fertleman et al. 2006. PubMed ID: 17145499). In ClinVar, this variant has conflicting classifications ranging from uncertain to pathogenic (ClinVar ID: 6356). This variant is reported in 0.0066% of alleles in individuals of African descent in gnomAD. This variant is interpreted as likely pathogenic.

New York Genome Center
Classification: Uncertain significance for Paroxysmal extreme pain disorder. Last evaluated: 2021-08-12. Review status: criteria provided, single submitter. Criteria: NYGC Assertion Criteria 2020. Collection method: clinical testing. Allele origin: inherited. Observed: 1 heterozygote. Study: CSER-NYCKidSeq.

OMIM
Classification: Pathogenic for PAROXYSMAL EXTREME PAIN DISORDER. Last evaluated: 2006-12-07. Review status: no assertion criteria provided. Collection method: literature only. Allele origin: germline. Not counted in ClinVar's aggregate classification.

Literature cited by the submitters: PubMed 17145499 (cited by Labcorp Genetics (formerly Invitae), Labcorp and OMIM).

NM_001365536.1(SCN9A):c.3019C>T (p.Arg1007Cys)

Genes: SCN1A-AS1 (SCN1A and SCN9A antisense RNA 1; plus strand), SCN9A (sodium voltage-gated channel alpha subunit 9; minus strand). Cytogenetic location: 2q24.3.
Variant type: single nucleotide variant.
Coding change: c.3019C>T on transcript NM_001365536.1 (MANE Select); coding-DNA position 3019, C replaced by T.
Protein change: p.Arg1007Cys; replaces arginine 1007 with cysteine.
Molecular consequence: missense variant.
Genome position (GRCh38, 1-based): chr2:166,272,731, G>A on the plus strand (C>T on the coding strand, the complement: SCN9A is on the minus strand). VCF-style: chr2-166272731-G-A. GRCh37 (hg19) VCF-style: chr2-167129241-G-A.
Other names: c.2986C>T, p.Arg996Cys (NM_002977.4); short protein forms R996C, R1007C.
Identifiers: ClinVar variation 6356 (VCV000006356.20), dbSNP rs121908910, ClinGen allele CA118140.